The following is an entry in ClinVar:

NM_001352754.2(ARMC9):c.158C>T (p.Ser53Phe)

Gene: ARMC9 (armadillo repeat containing 9; plus strand). Cytogenetic location: 2q37.1.
Variant type: single nucleotide variant.
Coding change: c.158C>T on transcript NM_001352754.2 (MANE Select); coding-DNA position 158, C replaced by T.
Protein change: p.Ser53Phe; replaces serine 53 with phenylalanine.
Molecular consequence: missense variant. On other transcripts: non-coding transcript variant (1).
Genome position (GRCh38, 1-based): chr2:231,208,233, C>T. VCF-style: chr2-231208233-C-T. GRCh37 (hg19) VCF-style: chr2-232072946-C-T.
Other names: c.158C>T, p.Ser53Phe (NM_001271466.4, NM_001291656.2, NM_001352755.2 and 5 more transcripts); short protein forms S53F.
Identifiers: ClinVar variation 3352322 (VCV003352322.1).

ClinVar aggregate classification (germline): Uncertain significance (0 of 4 stars; one submission).

Conditions:
ARMC9-related disorder. Also called: ARMC9-related condition.

Submission:

PreventionGenetics, part of Exact Sciences
Classification: Uncertain significance for ARMC9-related condition. Last evaluated: 2024-08-15. Review status: no assertion criteria provided. Collection method: clinical testing. Allele origin: germline.
Comment: The ARMC9 c.158C>T variant is predicted to result in the amino acid substitution p.Ser53Phe. To our knowledge, this variant has not been reported in the literature or in a large population database, indicating this variant is rare. At this time, the clinical significance of this variant is uncertain due to the absence of conclusive functional and genetic evidence.